The following is an entry in ClinVar:

ClinVar aggregate classification (germline): Likely benign (0 of 4 stars; one submission).

Conditions:
PAX7-related disorder. Also called: PAX7-related condition.

Allele frequency attached by ClinVar (database versions not stated): TOPMed 0.00001.
gnomAD v4.1: 4 of 1,613,810 alleles (0.00025%); highest among the groups gnomAD compares: Admixed American, 0.0033%; no homozygotes.

Submission:

PreventionGenetics, part of Exact Sciences
Classification: Likely benign for PAX7-related condition. Last evaluated: 2024-01-03. Review status: no assertion criteria provided. Collection method: clinical testing. Allele origin: germline.
Comment: This variant is classified as likely benign based on ACMG/AMP sequence variant interpretation guidelines (Richards et al. 2015 PMID: 25741868, with internal and published modifications).

NM_001135254.2(PAX7):c.1011C>T (p.Gly337=)

Gene: PAX7 (paired box 7; plus strand). Cytogenetic location: 1p36.13.
Variant type: single nucleotide variant.
Coding change: c.1011C>T on transcript NM_001135254.2 (MANE Select); coding-DNA position 1011, C replaced by T.
Protein change: p.Gly337=; no amino-acid change (glycine 337 retained).
Molecular consequence: synonymous variant.
Genome position (GRCh38, 1-based): chr1:18,703,152, C>T. VCF-style: chr1-18703152-C-T. GRCh37 (hg19) VCF-style: chr1-19029646-C-T.
Other names: c.1011C>T, p.Gly337= (NM_002584.3); c.1005C>T, p.Gly335= (NM_013945.3).
Identifiers: ClinVar variation 3031710 (VCV003031710.2), dbSNP rs1437320339, ClinGen allele CA416425401.
Genomic context (GRCh38, chr1:18,703,152, plus strand): 5'-AGATGGGGGCAGCACTGTGCACCGGCCTCAGCCCCTGCCACCGTCCACCATGCACCAGGG[C>T]GGGCTGGCTGCAGCGGCTGCAGCCGCCGACACCAGCTCTGCCTACGGAGCCCGCCACAGC-3'
Protein context (NP_001128726.1, residues 327-347): QPLPPSTMHQ[Gly337=]GLAAAAAAAD